The following is an entry in ClinVar:

ClinVar aggregate classification (germline): Uncertain significance. Review status: criteria provided, multiple submitters, no conflicts (2 of 4 stars). 2 submissions from 2 submitters: Uncertain significance (2). Last evaluated 2024-08-03.

Conditions:
Loeys-Dietz syndrome 2 (LDS2). Also called: TGFBR2-Related Loeys-Dietz Syndrome; Marfan syndrome, type 2 (formerly); Marfan Syndrome type 2; Marfan like connective tissue disorder; MFS 2; AORTIC ANEURYSM, FAMILIAL THORACIC 3. Identifiers: Orphanet 284973, Orphanet 558, MedGen C2674574, MONDO:0012427, OMIM 610168.

Allele frequency attached by ClinVar (database versions not stated): gnomAD 0.00001; gnomAD exomes 0.00001; ExAC 0.00002; TOPMed 0.00003.
gnomAD v4.1: 8 of 1,613,870 alleles (0.0005%); highest among the groups gnomAD compares: Non-Finnish European, 0.00068%; no homozygotes.

Submissions (2):

Ambry Genetics
Classification: Uncertain significance. Last evaluated: 2024-08-03. Review status: criteria provided, single submitter. Criteria: Ambry Variant Classification Scheme 2023. Collection method: clinical testing. Allele origin: germline.
Comment: The p.T229P variant (also known as c.685A>C), located in coding exon 4 of the TMPO gene, results from an A to C substitution at nucleotide position 685. The threonine at codon 229 is replaced by proline, an amino acid with highly similar properties. This amino acid position is conserved. In addition, this alteration is predicted to be tolerated by in silico analysis. Since supporting evidence is limited at this time, the clinical significance of this alteration remains unclear.

Labcorp Genetics (formerly Invitae), Labcorp
Classification: Uncertain significance for Loeys-Dietz syndrome 2. Last evaluated: 2023-11-27. Review status: criteria provided, single submitter. Criteria: Invitae Variant Classification Sherloc (09022015). Collection method: clinical testing. Allele origin: germline.
Comment: This sequence change replaces threonine, which is neutral and polar, with proline, which is neutral and non-polar, at codon 229 of the TMPO protein (p.Thr229Pro). This variant is present in population databases (rs764732034, gnomAD 0.003%). This variant has not been reported in the literature in individuals affected with TMPO-related conditions. ClinVar contains an entry for this variant (Variation ID: 953389). Advanced modeling of protein sequence and biophysical properties (such as structural, functional, and spatial information, amino acid conservation, physicochemical variation, residue mobility, and thermodynamic stability) performed at Invitae indicates that this missense variant is not expected to disrupt TMPO protein function with a negative predictive value of 80%. In summary, the available evidence is currently insufficient to determine the role of this variant in disease. Therefore, it has been classified as a Variant of Uncertain Significance.

NM_001032283.3(TMPO):c.565+1104A>C

Gene: TMPO (thymopoietin; plus strand). Cytogenetic location: 12q23.1.
Variant type: single nucleotide variant.
Coding change: c.565+1104A>C on transcript NM_001032283.3 (MANE Select); 1104 bases into the intron after coding-DNA position 565, A replaced by C.
Molecular consequence: intron variant. On other transcripts: missense variant (1).
Genome position (GRCh38, 1-based): chr12:98,532,942, A>C. VCF-style: chr12-98532942-A-C. GRCh37 (hg19) VCF-style: chr12-98926720-A-C.
Other names: c.685A>C, p.Thr229Pro (NM_003276.2); c.565+1104A>C (NM_001307975.2, NM_001032284.3); short protein forms T229P.
Identifiers: ClinVar variation 953389 (VCV000953389.11), dbSNP rs764732034, ClinGen allele CA6732266.